The following is an entry in ClinVar:

NM_017849.4(TMEM127):c.298T>C (p.Cys100Arg)

Gene: TMEM127 (transmembrane protein 127; minus strand). Cytogenetic location: 2q11.2.
Variant type: single nucleotide variant.
Coding change: c.298T>C on transcript NM_017849.4 (MANE Select); coding-DNA position 298, T replaced by C.
Protein change: p.Cys100Arg; replaces cysteine 100 with arginine.
Molecular consequence: missense variant.
Genome position (GRCh38, 1-based): chr2:96,254,944, A>G on the plus strand (T>C on the coding strand, the complement: TMEM127 is on the minus strand). VCF-style: chr2-96254944-A-G. GRCh37 (hg19) VCF-style: chr2-96920682-A-G.
Other names: c.298T>C, p.Cys100Arg (NM_001193304.3); short protein forms C100R.
Identifiers: ClinVar variation 1060005 (VCV001060005.9), dbSNP rs1573970265, ClinGen allele CA347653538.

ClinVar aggregate classification (germline): Uncertain significance (1 of 4 stars; one submission).

Conditions:
Hereditary pheochromocytoma and paraganglioma. Also called: Hereditary paragangliomas and pheochromocytomas; Hereditary pheochromocytoma-paraganglioma; Hereditary Paraganglioma-Pheochromocytoma Syndromes. Identifiers: Orphanet 29072, MedGen C4274332, MONDO:0017366.

Allele frequency attached by ClinVar (database versions not stated): TOPMed below 0.00001.

Submission:

Labcorp Genetics (formerly Invitae), Labcorp
Classification: Uncertain significance for Hereditary pheochromocytoma and paraganglioma. Last evaluated: 2020-03-17. Review status: criteria provided, single submitter. Criteria: Invitae Variant Classification Sherloc (09022015). Collection method: clinical testing. Allele origin: germline.
Comment: This sequence change replaces cysteine with arginine at codon 100 of the TMEM127 protein (p.Cys100Arg). The cysteine residue is highly conserved and there is a large physicochemical difference between cysteine and arginine. This variant is not present in population databases (ExAC no frequency). This variant has not been reported in the literature in individuals with TMEM127-related conditions. Algorithms developed to predict the effect of missense changes on protein structure and function (SIFT, PolyPhen-2, Align-GVGD) all suggest that this variant is likely to be disruptive, but these predictions have not been confirmed by published functional studies and their clinical significance is uncertain. In summary, the available evidence is currently insufficient to determine the role of this variant in disease. Therefore, it has been classified as a Variant of Uncertain Significance.